The following is an entry in ClinVar:

ClinVar aggregate classification (germline): Uncertain significance (1 of 4 stars; one submission).

Allele frequency attached by ClinVar (database versions not stated): gnomAD exomes below 0.00001.
gnomAD v4.1: 1 of 1,614,074 alleles (0.000062%); highest among the groups gnomAD compares: South Asian, 0.0011%; no homozygotes.

Submission:

GeneDx
Classification: Uncertain significance. Last evaluated: 2023-03-28. Review status: criteria provided, single submitter. Criteria: GeneDx Variant Classification Process June 2021. Collection method: clinical testing. Allele origin: germline. Affected: yes.
Comment: Not observed at significant frequency in large population cohorts (gnomAD); In silico analysis supports that this missense variant does not alter protein structure/function; Has not been previously published as pathogenic or benign to our knowledge

NM_004698.4(PRPF3):c.922A>C (p.Asn308His)

Gene: PRPF3 (pre-mRNA processing factor 3; plus strand). Cytogenetic location: 1q21.2.
Variant type: single nucleotide variant.
Coding change: c.922A>C on transcript NM_004698.4 (MANE Select); coding-DNA position 922, A replaced by C.
Protein change: p.Asn308His; replaces asparagine 308 with histidine.
Molecular consequence: missense variant. On other transcripts: non-coding transcript variant (4).
Genome position (GRCh38, 1-based): chr1:150,335,128, A>C. VCF-style: chr1-150335128-A-C. GRCh37 (hg19) VCF-style: chr1-150307599-A-C.
Other names: c.517A>C, p.Asn173His (NM_001350529.1); short protein forms N173H, N308H.
Identifiers: ClinVar variation 2581958 (VCV002581958.1), dbSNP rs2525136357, ClinGen allele CA342294493.